The following is an entry in ClinVar:

ClinVar aggregate classification (germline): Uncertain significance. Review status: criteria provided, multiple submitters, no conflicts (2 of 4 stars). 3 submissions from 3 submitters: Uncertain significance (3). Last evaluated 2025-12-16.

Conditions:
Familial thoracic aortic aneurysm and aortic dissection (TAAD). Also called: Thoracic aortic aneurysms and dissections. Identifiers: Orphanet 91387, MedGen C4707243, MONDO:0019625.
Arterial tortuosity syndrome (ATORS). Identifiers: Orphanet 3342, MedGen C1859726, MONDO:0008818, OMIM 208050.

Allele frequency attached by ClinVar (database versions not stated): gnomAD exomes 0.00003 and 0.00002; TOPMed below 0.00001; gnomAD 0.00001; ExAC 0.00003.

Submissions (3):

Ambry Genetics
Classification: Uncertain significance for Familial thoracic aortic aneurysm and aortic dissection. Last evaluated: 2025-12-16. Review status: criteria provided, single submitter. Criteria: Ambry Variant Classification Scheme 2023. Collection method: clinical testing. Allele origin: germline.
Comment: The p.L55F variant (also known as c.163C>T), located in coding exon 2 of the SLC2A10 gene, results from a C to T substitution at nucleotide position 163. The leucine at codon 55 is replaced by phenylalanine, an amino acid with highly similar properties. This amino acid position is highly conserved in available vertebrate species. In addition, the in silico prediction for this alteration is inconclusive. Based on the available evidence, the clinical significance of this variant remains unclear.

GeneDx
Classification: Uncertain significance. Last evaluated: 2023-01-20. Review status: criteria provided, single submitter. Criteria: GeneDx Variant Classification Process June 2021. Collection method: clinical testing. Allele origin: germline. Affected: yes.
Comment: Not observed at significant frequency in large population cohorts (gnomAD); In silico analysis supports that this missense variant has a deleterious effect on protein structure/function; Has not been previously published as pathogenic or benign to our knowledge

Labcorp Genetics (formerly Invitae), Labcorp
Classification: Uncertain significance for Arterial tortuosity syndrome. Last evaluated: 2022-02-08. Review status: criteria provided, single submitter. Criteria: Invitae Variant Classification Sherloc (09022015). Collection method: clinical testing. Allele origin: germline.
Comment: This sequence change replaces leucine, which is neutral and non-polar, with phenylalanine, which is neutral and non-polar, at codon 55 of the SLC2A10 protein (p.Leu55Phe). This variant is present in population databases (rs745611450, gnomAD 0.004%). This variant has not been reported in the literature in individuals affected with SLC2A10-related conditions. ClinVar contains an entry for this variant (Variation ID: 426396). Advanced modeling of protein sequence and biophysical properties (such as structural, functional, and spatial information, amino acid conservation, physicochemical variation, residue mobility, and thermodynamic stability) performed at Invitae indicates that this missense variant is expected to disrupt SLC2A10 protein function. In summary, the available evidence is currently insufficient to determine the role of this variant in disease. Therefore, it has been classified as a Variant of Uncertain Significance.

NM_030777.4(SLC2A10):c.163C>T (p.Leu55Phe)

Gene: SLC2A10 (solute carrier family 2 member 10; plus strand). Cytogenetic location: 20q13.12.
Variant type: single nucleotide variant.
Coding change: c.163C>T on transcript NM_030777.4 (MANE Select); coding-DNA position 163, C replaced by T.
Protein change: p.Leu55Phe; replaces leucine 55 with phenylalanine.
Molecular consequence: missense variant.
Genome position (GRCh38, 1-based): chr20:46,725,199, C>T. VCF-style: chr20-46725199-C-T. GRCh37 (hg19) VCF-style: chr20-45353838-C-T.
Other names: short protein forms L55F.
Identifiers: ClinVar variation 426396 (VCV000426396.5), dbSNP rs745611450, ClinGen allele CA9891922.